The following is an entry in ClinVar:

NM_013382.7(POMT2):c.438+81C>T

Gene: POMT2 (protein O-mannosyltransferase 2; minus strand). Cytogenetic location: 14q24.3.
Variant type: single nucleotide variant.
Coding change: c.438+81C>T on transcript NM_013382.7 (MANE Select); 81 bases into the intron after coding-DNA position 438, C replaced by T.
Molecular consequence: intron variant.
Genome position (GRCh38, 1-based): chr14:77,306,256, G>A on the plus strand (C>T on the coding strand, the complement: POMT2 is on the minus strand). VCF-style: chr14-77306256-G-A. GRCh37 (hg19) VCF-style: chr14-77772599-G-A.
Other names: NC_000014.8:g.77772599G>A.
Identifiers: ClinVar variation 674395 (VCV000674395.3), dbSNP rs3815627, ClinGen allele CA15828857.
Genomic context (GRCh38, chr14:77,306,256, plus strand): 5'-GTCTGATCATCCTCCCCTCTCCTCACCACCCAAAGTCCCTTTATTTGCACCTGCCACCAC[G>A]CCAGGGCTGCTAACTATAACATTTCTGGTTTAGTGTGGCCCCAGGGTTCAGTCAGTCCAT-3'

ClinVar aggregate classification (germline): Benign. Review status: criteria provided, multiple submitters, no conflicts (2 of 4 stars). 2 submissions from 2 submitters: Benign (2). Last evaluated 2018-06-19.

Allele frequency attached by ClinVar (database versions not stated): 1000 Genomes Project 30x 0.04169; 1000 Genomes Project 0.04193; TOPMed 0.04965; gnomAD 0.05217 and 0.05295.
gnomAD v4.1: 107,622 of 1,585,666 alleles (6.8%); highest among the groups gnomAD compares: South Asian, 8.2%; 4,012 homozygotes.

Submissions (10):

GeneDx
Classification: Benign. Last evaluated: 2018-06-19. Review status: criteria provided, single submitter. Criteria: GeneDx Variant Classification (06012015). Collection method: clinical testing. Allele origin: germline. Affected: yes.
Comment: This variant is considered likely benign or benign based on one or more of the following criteria: it is a conservative change, it occurs at a poorly conserved position in the protein, it is predicted to be benign by multiple in silico algorithms, and/or has population frequency not consistent with disease.

Breakthrough Genomics
Classification: Benign. Review status: criteria provided, single submitter. Criteria: ACMG Guidelines, 2015. Collection method: not provided. Allele origin: germline. Inheritance: Autosomal recessive inheritance. Affected: yes.

Dr. Peter K. Rogan Lab, Western University
No classification provided (evidence only). Condition: Acute myeloid leukemia. Review status: no classification provided. Collection method: in vitro. Allele origin: not applicable. Functional consequence: retained intron. Not counted in ClinVar's aggregate classification.

Dr. Peter K. Rogan Lab, Western University
No classification provided (evidence only). Condition: Acute myeloid leukemia. Review status: no classification provided. Collection method: in vitro. Allele origin: not applicable. Functional consequence: retained intron. Not counted in ClinVar's aggregate classification.

Dr. Peter K. Rogan Lab, Western University
No classification provided (evidence only). Condition: Acute myeloid leukemia. Review status: no classification provided. Collection method: in vitro. Allele origin: not applicable. Functional consequence: skipped exon. Not counted in ClinVar's aggregate classification.

Dr. Peter K. Rogan Lab, Western University
No classification provided (evidence only). Condition: Acute myeloid leukemia. Review status: no classification provided. Collection method: in vitro. Allele origin: not applicable. Functional consequence: retained intron. Not counted in ClinVar's aggregate classification.

Dr. Peter K. Rogan Lab, Western University
No classification provided (evidence only). Condition: Uterine corpus endometrial carcinoma. Review status: no classification provided. Collection method: in vitro. Allele origin: not applicable. Functional consequence: retained intron. Not counted in ClinVar's aggregate classification.

Dr. Peter K. Rogan Lab, Western University
No classification provided (evidence only). Condition: Uterine corpus endometrial carcinoma. Review status: no classification provided. Collection method: in vitro. Allele origin: not applicable. Functional consequence: retained intron. Not counted in ClinVar's aggregate classification.

Dr. Peter K. Rogan Lab, Western University
No classification provided (evidence only). Condition: Uterine corpus endometrial carcinoma. Review status: no classification provided. Collection method: in vitro. Allele origin: not applicable. Functional consequence: skipped exon. Not counted in ClinVar's aggregate classification.

Dr. Peter K. Rogan Lab, Western University
No classification provided (evidence only). Condition: Uterine carcinosarcoma. Review status: no classification provided. Collection method: in vitro. Allele origin: not applicable. Functional consequence: retained intron. Not counted in ClinVar's aggregate classification.